The following is an entry in ClinVar:

ClinVar aggregate classification (germline): Benign. Review status: criteria provided, multiple submitters, no conflicts (2 of 4 stars). 19 submissions from 17 submitters: Benign (14). 5 of the submissions do not count toward it. Last evaluated 2026-02-04.

Conditions:
Hypophosphatasia. Also called: Phosphoethanol-aminuria. Identifiers: Orphanet 436, MedGen C0020630, MeSH D007014, MONDO:0018570.
Adult hypophosphatasia. Identifiers: Orphanet 247676, Orphanet 436, MedGen C0268413, MONDO:1010154, OMIM 146300, MONDO:0007798.
Infantile hypophosphatasia. Identifiers: Orphanet 247651, Orphanet 436, MedGen C0268412, MONDO:1010169, OMIM 241500, MONDO:0009427.
Childhood hypophosphatasia. Identifiers: Orphanet 247667, Orphanet 436, MedGen C0220743, MONDO:1010168, OMIM 241510, MONDO:0009428.

Allele frequency attached by ClinVar (database versions not stated): ExAC 0.11070; 1000 Genomes Project 30x 0.06933; TOPMed 0.07811; gnomAD 0.07856 and 0.08000; gnomAD exomes 0.10970 and 0.09607; 1000 Genomes Project 0.07188; ESP Exome Variant Server 0.07607.
gnomAD v4.1: 170,290 of 1,597,356 alleles (11%); highest among the groups gnomAD compares: South Asian, 16%; 9,914 homozygotes.

Submissions (19):

Labcorp Genetics (formerly Invitae), Labcorp
Classification: Benign. Last evaluated: 2026-02-04. Review status: criteria provided, single submitter. Criteria: Invitae Variant Classification Sherloc (09022015). Collection method: clinical testing. Allele origin: germline.

Genomenon, Inc
Classification: Benign for Hypophosphatasia. Last evaluated: 2025-08-29. Review status: criteria provided, single submitter. Criteria: Genomenon Sequence Variant Interpretation Standards. Collection method: curation. Allele origin: germline. Affected: no.
Comment: ALPL Val522Ala (c.1565T>C) is a missense variant that changes the amino acid at residue 522 from Valine to Alanine. In silico models agree that this variant is not damaging. This variant is present at high allele frequency in population databases. In conclusion, we classify ALPL p.Val522Ala (c.1565T>C) as a benign variant.

ARUP Laboratories, Molecular Genetics and Genomics, ARUP Laboratories
Classification: Benign. Last evaluated: 2025-07-22. Review status: criteria provided, single submitter. Criteria: ARUP Molecular Germline Variant Investigation Process 2024. Collection method: clinical testing. Allele origin: germline.

JKU Lab, Dept of Paediatrics, Johannes Kepler University
Classification: Benign for Hypophosphatasia. Last evaluated: 2024-12-10. Review status: criteria provided, single submitter. Criteria: ACMG Guidelines, 2015. Collection method: curation, in vitro. Allele origin: germline, not applicable. Affected: yes. Functional consequence: functionally normal.
Comment: This missense variant is present in GnomAD 4.1 (exomes = 10.7%) and does not affect a highly conserved amino acid in a functional domain. The variant is not predicted to affect protein function (REVEL score: 0.257). Splice-prediction algorithms predict no effect on splicing. In vitro functional studies showed normal reduced ALP activity. This variant has been reported in the literature in individuals affected with ALPL-related conditions (PMID:30680361). The results of the functional testing and the applied ACMG criteria can be viewed at an online resource

Blueprint Genetics
Classification: Benign. Last evaluated: 2024-11-26. Review status: criteria provided, single submitter. Criteria: ACMG Guidelines, 2015. Collection method: clinical testing. Allele origin: germline.

Mayo Clinic Laboratories, Mayo Clinic
Classification: Benign. Last evaluated: 2023-03-03. Review status: criteria provided, single submitter. Criteria: ACMG Guidelines, 2015. Collection method: clinical testing. Allele origin: germline. Observed: 59 variant alleles.

Genome-Nilou Lab
Classification: Benign for Infantile hypophosphatasia. Last evaluated: 2021-07-01. Review status: criteria provided, single submitter. Criteria: ACMG Guidelines, 2015. Collection method: clinical testing. Allele origin: germline. Affected: no.

Genome-Nilou Lab
Classification: Benign for Childhood hypophosphatasia. Last evaluated: 2021-07-01. Review status: criteria provided, single submitter. Criteria: ACMG Guidelines, 2015. Collection method: clinical testing. Allele origin: germline. Affected: no.

Genome-Nilou Lab
Classification: Benign for Adult hypophosphatasia. Last evaluated: 2021-07-01. Review status: criteria provided, single submitter. Criteria: ACMG Guidelines, 2015. Collection method: clinical testing. Allele origin: germline. Affected: no.

GeneDx
Classification: Benign. Last evaluated: 2018-08-26. Review status: criteria provided, single submitter. Criteria: GeneDx Variant Classification Process June 2021. Collection method: clinical testing. Allele origin: germline. Affected: yes.

Illumina Laboratory Services, Illumina
Classification: Benign for Hypophosphatasia. Last evaluated: 2018-01-13. Review status: criteria provided, single submitter. Criteria: ICSL Variant Classification Criteria 13 December 2019. Collection method: clinical testing. Allele origin: germline.
Comment: This variant was observed in the ICSL laboratory as part of a predisposition screen in an ostensibly healthy population. It had not been previously curated by ICSL or reported in the Human Gene Mutation Database (HGMD: prior to June 1st, 2018), and was therefore a candidate for classification through an automated scoring system. Utilizing variant allele frequency, disease prevalence and penetrance estimates, and inheritance mode, an automated score was calculated to assess if this variant is too frequent to cause the disease. Based on the score and internal cut-off values, a variant classified as benign is not then subjected to further curation. The score for this variant resulted in a classification of benign for this disease.

Eurofins Ntd Llc (ga)
Classification: Benign. Last evaluated: 2014-10-24. Review status: criteria provided, single submitter. Criteria: EGL Classification Definitions 2015. Collection method: clinical testing. Allele origin: germline. Observed: 1 variant allele, 1 heterozygote.

Breakthrough Genomics
Classification: Benign. Review status: criteria provided, single submitter. Criteria: ACMG Guidelines, 2015. Collection method: not provided. Allele origin: germline. Inheritance: Autosomal recessive inheritance. Affected: yes.

PreventionGenetics, part of Exact Sciences
Classification: Benign. Review status: criteria provided, single submitter. Criteria: ACMG Guidelines, 2015. Collection method: clinical testing. Allele origin: germline.

Natera, Inc.
Classification: Benign for Hypophosphatasia. Last evaluated: 2020-09-16. Review status: no assertion criteria provided. Collection method: clinical testing. Allele origin: germline. Not counted in ClinVar's aggregate classification.

Clinical Genetics DNA and cytogenetics Diagnostics Lab, Erasmus MC, Erasmus Medical Center
Classification: Benign. Review status: no assertion criteria provided. Collection method: clinical testing. Allele origin: germline. Affected: yes. Study: VKGL Data-share Consensus. Not counted in ClinVar's aggregate classification.

GeneReviews
No classification provided. Condition: Hypophosphatasia. Review status: no classification provided. Collection method: literature only. Allele origin: germline. Affected: yes. Not counted in ClinVar's aggregate classification.

Genome Diagnostics Laboratory, Amsterdam University Medical Center
Classification: Benign. Review status: no assertion criteria provided. Collection method: clinical testing. Allele origin: germline. Affected: yes. Study: VKGL Data-share Consensus. Not counted in ClinVar's aggregate classification.

Joint Genome Diagnostic Labs from Nijmegen and Maastricht, Radboudumc and MUMC+
Classification: Benign. Review status: no assertion criteria provided. Collection method: clinical testing. Allele origin: germline. Affected: yes. Study: VKGL Data-share Consensus. Not counted in ClinVar's aggregate classification.

Literature cited by the submitters: PubMed 30680361 (cited by JKU Lab, Dept of Paediatrics, Johannes Kepler University); NCBI Bookshelf NBK1150 (cited by GeneReviews).

NM_000478.6(ALPL):c.1565T>C (p.Val522Ala)

Gene: ALPL (alkaline phosphatase, biomineralization associated; plus strand). Cytogenetic location: 1p36.12.
Variant type: single nucleotide variant.
Coding change: c.1565T>C on transcript NM_000478.6 (MANE Select); coding-DNA position 1565, T replaced by C.
Protein change: p.Val522Ala; replaces valine 522 with alanine.
Molecular consequence: missense variant.
Genome position (GRCh38, 1-based): chr1:21,577,638, T>C. VCF-style: chr1-21577638-T-C. GRCh37 (hg19) VCF-style: chr1-21904131-T-C.
Other names: c.1400T>C, p.Val467Ala (NM_001127501.4); c.1334T>C, p.Val445Ala (NM_001177520.3); c.1565T>C, p.Val522Ala (NM_001369803.2, NM_001369804.2, NM_001369805.2); short protein forms V522A, V445A, V467A.
Identifiers: ClinVar variation 193996 (VCV000193996.45), dbSNP rs34605986, ClinGen allele CA200901.